The following is an entry in ClinVar:

NM_015215.4(CAMTA1):c.2354G>A (p.Gly785Glu)

Gene: CAMTA1 (calmodulin binding transcription activator 1; plus strand). Cytogenetic location: 1p36.23.
Variant type: single nucleotide variant.
Coding change: c.2354G>A on transcript NM_015215.4 (MANE Select); coding-DNA position 2354, G replaced by A.
Protein change: p.Gly785Glu; replaces glycine 785 with glutamic acid.
Molecular consequence: missense variant.
Genome position (GRCh38, 1-based): chr1:7,664,901, G>A. VCF-style: chr1-7664901-G-A. GRCh37 (hg19) VCF-style: chr1-7724961-G-A.
Other names: c.2264G>A, p.Gly755Glu (NM_001349608.2, NM_001349612.2); c.2354G>A, p.Gly785Glu (NM_001349609.2, NM_001349610.2, NM_001410737.1); c.2282G>A, p.Gly761Glu (NM_001410738.1); short protein forms G755E, G761E, G785E.
Identifiers: ClinVar variation 4689993 (VCV004689993.1).

ClinVar aggregate classification (germline): Uncertain significance (1 of 4 stars; one submission).

gnomAD v4.1: 4 of 1,613,132 alleles (0.00025%); highest among the groups gnomAD compares: South Asian, 0.0011%; no homozygotes.

Submission:

GeneDx
Classification: Uncertain significance. Last evaluated: 2025-07-28. Review status: criteria provided, single submitter. Criteria: GeneDx Variant Classification Process June 2021. Collection method: clinical testing. Allele origin: germline. Affected: yes.
Comment: Not observed at significant frequency in large population cohorts (gnomAD); In silico analysis supports that this missense variant has a deleterious effect on protein structure/function; Has not been previously published as pathogenic or benign to our knowledge